The following is an entry in ClinVar:

NM_000089.4(COL1A2):c.2675G>T (p.Gly892Val)

Gene: COL1A2 (collagen type I alpha 2 chain; plus strand). Cytogenetic location: 7q21.3.
Variant type: single nucleotide variant.
Coding change: c.2675G>T on transcript NM_000089.4 (MANE Select); coding-DNA position 2675, G replaced by T.
Protein change: p.Gly892Val; replaces glycine 892 with valine.
Molecular consequence: missense variant.
Genome position (GRCh38, 1-based): chr7:94,425,118, G>T. VCF-style: chr7-94425118-G-T. GRCh37 (hg19) VCF-style: chr7-94054430-G-T.
Other names: short protein forms G892V.
Identifiers: ClinVar variation 1224334 (VCV001224334.3), dbSNP rs72659304, ClinGen allele CA368224395.

ClinVar aggregate classification (germline): Likely pathogenic. Review status: criteria provided, multiple submitters, no conflicts (2 of 4 stars). 2 submissions from 2 submitters: Likely pathogenic (2). Last evaluated 2024-06-14.

Conditions:
COL1A2-related disorder. Also called: COL1A2-Related Disorders; COL1A2-related condition.

Submissions (2):

3billion
Classification: Likely pathogenic for COL1A2-related disorder. Last evaluated: 2024-06-14. Review status: criteria provided, single submitter. Criteria: ACMG Guidelines, 2015. Collection method: clinical testing. Allele origin: germline. Affected: yes.
Comment: The variant is not observed in the gnomAD v4.0.0 dataset. Predicted Consequence/Location: Missense changes are a common disease-causing mechanism. In silico tool predictions suggest damaging effect of the variant on gene or gene product [REVEL: 0.99 (>=0.6, sensitivity 0.68 and specificity 0.92); 3Cnet: 1.00 (>=0.6, sensitivity 0.72 and precision 0.9)]. The same nucleotide change resulting in the same amino acid change has been previously reported to be associated with COL1A2 related disorder (ClinVar ID: VCV001224334).A different missense change at the same codon (p.Gly892Asp) has been reported to be associated with COL1A2 related disorder (ClinVar ID: VCV001458888 /PMID: 8800927). Therefore, this variant is classified as Likely pathogenic according to the recommendation of ACMG/AMP guideline.

Blueprint Genetics
Classification: Likely pathogenic for COL1A2-related disorders. Last evaluated: 2018-01-16. Review status: criteria provided, single submitter. Criteria: ACMG Guidelines, 2015. Collection method: clinical testing. Allele origin: germline. Affected: yes. Observed: 1 variant allele.

Literature cited by the submitters: PubMed 8800927 (cited by 3billion).